The following is an entry in ClinVar:

ClinVar aggregate classification (germline): Likely pathogenic (1 of 4 stars; one submission).

Conditions:
Autosomal recessive polycystic kidney disease (ARPKD). Also called: AR polycystic kidney disease. Identifiers: Orphanet 731, Orphanet 8378, MedGen C0085548, MeSH D017044, MONDO:0009889.

Submission:

Natera, Inc.
Classification: Likely pathogenic for Autosomal recessive polycystic kidney disease. Last evaluated: 2025-09-16. Review status: criteria provided, single submitter. Criteria: Natera Variant Classification Schema (03/2026). Collection method: clinical testing. Allele origin: germline.
Comment: The c.9363_9376del variant in PKHD1 is a frameshift variant predicted to shift the reading frame beginning at codon 3121 and leads to a stop codon 9 codons downstream. This variant is expected to result in nonsense mediated decay, truncation, or a dysfunctional protein product. This variant is rare in the general population with a frequency below the threshold expected for the associated phenotype(s). Given the available evidence, this variant is classified as Likely Pathogenic.

NM_138694.4(PKHD1):c.9363_9376del (p.Asn3121fs)

Gene: PKHD1 (PKHD1 ciliary IPT domain containing fibrocystin/polyductin; minus strand). Cytogenetic location: 6p12.3.
Variant type: Deletion.
Coding change: c.9363_9376del on transcript NM_138694.4 (MANE Select); coding-DNA positions 9363 to 9376, 14 bases deleted (TGTGGCGCATTCAA).
Protein change: p.Asn3121fs; shifts the reading frame from asparagine 3121.
Molecular consequence: frameshift variant.
Genome position (GRCh38, 1-based): chr6:51,748,240-51,748,253, TTGAATGCGCCACA deleted on the plus strand (TGTGGCGCATTCAA on the coding strand, the reverse complement: PKHD1 is on the minus strand); deleting any 14 consecutive bases within chr6:51,748,240-51,748,256 gives the same sequence; the c. name uses the placement nearest the transcript's 3' end. VCF-style (leftmost placement, unchanged base first): chr6-51748239-CTTGAATGCGCCACA-C. GRCh37 (hg19) VCF-style: chr6-51613037-CTTGAATGCGCCACA-C.
Other names: c.9363_9376del, p.Asn3121fs (NM_170724.3); short protein forms N3121fs.
Identifiers: ClinVar variation 4816797 (VCV004816797.1).